The following is an entry in ClinVar:

NM_001999.4(FBN2):c.7273T>C (p.Cys2425Arg)

Gene: FBN2 (fibrillin 2; minus strand). Cytogenetic location: 5q23.3.
Variant type: single nucleotide variant.
Coding change: c.7273T>C on transcript NM_001999.4 (MANE Select); coding-DNA position 7273, T replaced by C.
Protein change: p.Cys2425Arg; replaces cysteine 2425 with arginine.
Molecular consequence: missense variant.
Genome position (GRCh38, 1-based): chr5:128,278,707, A>G on the plus strand (T>C on the coding strand, the complement: FBN2 is on the minus strand). VCF-style: chr5-128278707-A-G. GRCh37 (hg19) VCF-style: chr5-127614399-A-G.
Other names: short protein forms C2425R.
Identifiers: ClinVar variation 2754844 (VCV002754844.3), dbSNP rs2479651590, ClinGen allele CA360756296.

ClinVar aggregate classification (germline): Uncertain significance (1 of 4 stars; one submission).

Conditions:
Congenital contractural arachnodactyly (CCA). Also called: BEALS SYNDROME; Beals-Hecht syndrome; Arthrogryposis, distal, type 9. Identifiers: Orphanet 115, MedGen C0220668, MONDO:0007363, OMIM 121050.

Submission:

Labcorp Genetics (formerly Invitae), Labcorp
Classification: Uncertain significance for Congenital contractural arachnodactyly. Last evaluated: 2024-04-15. Review status: criteria provided, single submitter. Criteria: Invitae Variant Classification Sherloc (09022015). Collection method: clinical testing. Allele origin: germline.
Comment: This sequence change replaces cysteine, which is neutral and slightly polar, with arginine, which is basic and polar, at codon 2425 of the FBN2 protein (p.Cys2425Arg). This variant is not present in population databases (gnomAD no frequency). This variant has not been reported in the literature in individuals affected with FBN2-related conditions. Advanced modeling of protein sequence and biophysical properties (such as structural, functional, and spatial information, amino acid conservation, physicochemical variation, residue mobility, and thermodynamic stability) performed at Invitae indicates that this missense variant is expected to disrupt FBN2 protein function with a positive predictive value of 80%. In summary, the available evidence is currently insufficient to determine the role of this variant in disease. Therefore, it has been classified as a Variant of Uncertain Significance.